The following is an entry in ClinVar:

ClinVar aggregate classification (germline): Likely pathogenic (1 of 4 stars; one submission).

Conditions:
Brain malformations with or without urinary tract defects. Also called: Brain malformations and urinary tract defects. Identifiers: MedGen C4478940, MONDO:0100478, OMIM 613735.

Submission:

Dasa
Classification: Likely pathogenic for brain malformations with or without urinary tract defects. Last evaluated: 2025-08-28. Review status: criteria provided, single submitter. Criteria: DASA Assertion Criteria. Collection method: clinical testing. Allele origin: germline.
Comment: NM_001134673.4(NFIA):c.380G>A (p.Trp127*) is a nonsense variant in NFIA predicted to introduce a premature termination codon and is predicted to result in an absent or altered protein product. Loss of function is an established disease mechanism for NFIA (PMID: 22031302; PMID: 24462883; PMID: 27081522). Also, this variant is absent from population databases. Based on the currently available evidence, this variant is classified as likely pathogenic.

Literature cited by the submitters: PubMed 22031302; PubMed 24462883; PubMed 27081522.

NM_001134673.4(NFIA):c.380G>A (p.Trp127Ter)

Gene: NFIA (nuclear factor I A; plus strand). Cytogenetic location: 1p31.3.
Variant type: single nucleotide variant.
Coding change: c.380G>A on transcript NM_001134673.4 (MANE Select); coding-DNA position 380, G replaced by A.
Protein change: p.Trp127Ter; replaces tryptophan 127 with a stop codon.
Molecular consequence: nonsense.
Genome position (GRCh38, 1-based): chr1:61,088,501, G>A. VCF-style: chr1-61088501-G-A. GRCh37 (hg19) VCF-style: chr1-61554173-G-A.
Other names: c.356G>A, p.Trp119Ter (NM_001145511.2); c.515G>A, p.Trp172Ter (NM_001145512.2); c.380G>A, p.Trp127Ter (NM_005595.5); short protein forms W119*, W127*, W172*.
Identifiers: ClinVar variation 4881983 (VCV004881983.2).